The following is an entry in ClinVar:

NM_000834.5(GRIN2B):c.95C>A (p.Pro32His)

Gene: GRIN2B (glutamate ionotropic receptor NMDA type subunit 2B; minus strand). Cytogenetic location: 12p13.1.
Variant type: single nucleotide variant.
Coding change: c.95C>A on transcript NM_000834.5 (MANE Select); coding-DNA position 95, C replaced by A.
Protein change: p.Pro32His; replaces proline 32 with histidine.
Molecular consequence: missense variant.
Genome position (GRCh38, 1-based): chr12:13,866,114, G>T on the plus strand (C>A on the coding strand, the complement: GRIN2B is on the minus strand). VCF-style: chr12-13866114-G-T. GRCh37 (hg19) VCF-style: chr12-14019048-G-T.
Other names: c.95C>A, p.Pro32His (NM_001413992.1, NM_001413993.1, NM_001413994.1 and 1 more transcripts); short protein forms P32H.
Identifiers: ClinVar variation 2938633 (VCV002938633.3), dbSNP rs2497984417, ClinGen allele CA384055008.

ClinVar aggregate classification (germline): Uncertain significance (1 of 4 stars; one submission).

Conditions:
Intellectual developmental disorder, autosomal dominant 6, with or without seizures. Also called: GRIN2B-related developmental delay, intellectual disability and autism spectrum disorder; Intellectual disability, autosomal dominant 6. Identifiers: Orphanet 589547, MedGen C3151411, MONDO:0013509, OMIM 613970.
Developmental and epileptic encephalopathy, 27 (DEE27). Also called: Epileptic encephalopathy, early infantile, 27; GRIN2B-Related Neurodevelopmental Disorder. Identifiers: Orphanet 3451, MedGen C4015316, MONDO:0014505, OMIM 616139.

Allele frequency attached by ClinVar (database versions not stated): gnomAD exomes below 0.00001.
gnomAD v4.1: 1 of 1,613,848 alleles (0.000062%); highest among the groups gnomAD compares: South Asian, 0.0011%; no homozygotes.

Submission:

Labcorp Genetics (formerly Invitae), Labcorp
Classification: Uncertain significance for Developmental and epileptic encephalopathy, 27; Intellectual developmental disorder, autosomal dominant 6, with or without seizures. Last evaluated: 2023-02-09. Review status: criteria provided, single submitter. Criteria: Invitae Variant Classification Sherloc (09022015). Collection method: clinical testing. Allele origin: germline.
Comment: This sequence change replaces proline, which is neutral and non-polar, with histidine, which is basic and polar, at codon 32 of the GRIN2B protein (p.Pro32His). This variant is not present in population databases (gnomAD no frequency). In summary, the available evidence is currently insufficient to determine the role of this variant in disease. Therefore, it has been classified as a Variant of Uncertain Significance. Advanced modeling of protein sequence and biophysical properties (such as structural, functional, and spatial information, amino acid conservation, physicochemical variation, residue mobility, and thermodynamic stability) performed at Invitae indicates that this missense variant is not expected to disrupt GRIN2B protein function. This variant has not been reported in the literature in individuals affected with GRIN2B-related conditions.